The following is an entry in ClinVar:

NM_032108.4(SEMA6B):c.1833C>T (p.Ala611=)

Gene: SEMA6B (semaphorin 6B; minus strand). Cytogenetic location: 19p13.3.
Variant type: single nucleotide variant.
Coding change: c.1833C>T on transcript NM_032108.4 (MANE Select); coding-DNA position 1833, C replaced by T.
Protein change: p.Ala611=; no amino-acid change (alanine 611 retained).
Molecular consequence: synonymous variant.
Genome position (GRCh38, 1-based): chr19:4,544,435, G>A on the plus strand (C>T on the coding strand, the complement: SEMA6B is on the minus strand). VCF-style: chr19-4544435-G-A. GRCh37 (hg19) VCF-style: chr19-4544447-G-A.
Identifiers: ClinVar variation 3038336 (VCV003038336.2), dbSNP rs148753710, ClinGen allele CA9102296.

ClinVar aggregate classification (germline): Likely benign (0 of 4 stars; one submission).

Conditions:
SEMA6B-related disorder. Also called: SEMA6B-related condition.

Allele frequency attached by ClinVar (database versions not stated): ExAC 0.00034; ESP Exome Variant Server 0.00089; 1000 Genomes Project 30x 0.00094; gnomAD 0.00115; 1000 Genomes Project 0.00120; TOPMed 0.00128.

Submission:

PreventionGenetics, part of Exact Sciences
Classification: Likely benign for SEMA6B-related condition. Last evaluated: 2019-02-28. Review status: no assertion criteria provided. Collection method: clinical testing. Allele origin: germline.
Comment: This variant is classified as likely benign based on ACMG/AMP sequence variant interpretation guidelines (Richards et al. 2015 PMID: 25741868, with internal and published modifications).